The following is an entry in ClinVar:

NM_003327.4(TNFRSF4):c.243C>T (p.Cys81=)

Gene: TNFRSF4 (TNF receptor superfamily member 4; minus strand). Cytogenetic location: 1p36.33.
Variant type: single nucleotide variant.
Coding change: c.243C>T on transcript NM_003327.4 (MANE Select); coding-DNA position 243, C replaced by T.
Protein change: p.Cys81=; no amino-acid change (cysteine 81 retained).
Molecular consequence: synonymous variant.
Genome position (GRCh38, 1-based): chr1:1,213,688, G>A on the plus strand (C>T on the coding strand, the complement: TNFRSF4 is on the minus strand). VCF-style: chr1-1213688-G-A. GRCh37 (hg19) VCF-style: chr1-1149068-G-A.
Other names: c.243C>T, p.Cys81= (NM_001410709.1).
Identifiers: ClinVar variation 2747891 (VCV002747891.3), dbSNP rs2521778482, ClinGen allele CA415364240.
Genomic context (GRCh38, chr1:1,213,688, plus strand): 5'-GCTGGGTGGGGCTGTGGGGCCAGGTGGGAGCTCACTGAGGTTACACCACGTGCAGGGCTT[G>A]CACGGCTTGGAGCTGACCACGTCGTTGTAGAAGCCCGGCCCGCACGGACGGCACACCGTG-3'
Protein context (NP_003318.1, residues 71-91): FYNDVVSSKP[Cys81=]KPCTWCNLRS

ClinVar aggregate classification (germline): Uncertain significance (1 of 4 stars; one submission).

Conditions:
Combined immunodeficiency due to OX40 deficiency. Also called: Immunodeficiency 16; OX40 DEFICIENCY. Identifiers: Orphanet 431149, MedGen C3810053, MONDO:0014268, OMIM 615593.

Allele frequency attached by ClinVar (database versions not stated): gnomAD exomes below 0.00001.
gnomAD v4.1: 1 of 1,595,560 alleles (0.000063%); highest among the groups gnomAD compares: South Asian, 0.0011%; no homozygotes.

Submission:

Labcorp Genetics (formerly Invitae), Labcorp
Classification: Uncertain significance for Combined immunodeficiency due to OX40 deficiency. Last evaluated: 2023-07-28. Review status: criteria provided, single submitter. Criteria: Invitae Variant Classification Sherloc (09022015). Collection method: clinical testing. Allele origin: germline.
Comment: In summary, the available evidence is currently insufficient to determine the role of this variant in disease. Therefore, it has been classified as a Variant of Uncertain Significance. Algorithms developed to predict the effect of sequence changes on RNA splicing suggest that this variant may disrupt the consensus splice site. This variant has not been reported in the literature in individuals affected with TNFRSF4-related conditions. This variant is not present in population databases (gnomAD no frequency). This sequence change affects codon 81 of the TNFRSF4 mRNA. It is a 'silent' change, meaning that it does not change the encoded amino acid sequence of the TNFRSF4 protein.